The following is an entry in ClinVar:

ClinVar aggregate classification (germline): Benign (1 of 4 stars; one submission).

Allele frequency attached by ClinVar (database versions not stated): 1000 Genomes Project 30x 0.73782; TOPMed 0.73854; 1000 Genomes Project 0.74561.

Submission:

GeneDx
Classification: Benign. Last evaluated: 2018-06-19. Review status: criteria provided, single submitter. Criteria: GeneDx Variant Classification (06012015). Collection method: clinical testing. Allele origin: germline. Affected: yes.
Comment: This variant is considered likely benign or benign based on one or more of the following criteria: it is a conservative change, it occurs at a poorly conserved position in the protein, it is predicted to be benign by multiple in silico algorithms, and/or has population frequency not consistent with disease.

NM_003060.4(SLC22A5):c.1052+237T>C

Gene: SLC22A5 (solute carrier family 22 member 5; plus strand). Cytogenetic location: 5q31.1.
Variant type: single nucleotide variant.
Coding change: c.1052+237T>C on transcript NM_003060.4 (MANE Select); 237 bases into the intron after coding-DNA position 1052, T replaced by C.
Molecular consequence: intron variant.
Genome position (GRCh38, 1-based): chr5:132,389,258, T>C. VCF-style: chr5-132389258-T-C. GRCh37 (hg19) VCF-style: chr5-131724950-T-C.
Other names: c.1124+237T>C (NM_001308122.2).
Identifiers: ClinVar variation 670106 (VCV000670106.1), dbSNP rs274554, ClinGen allele CA15385945.
Genomic context (GRCh38, chr5:132,389,258, plus strand): 5'-GAACCTCAGAAAAGGAGAATGAAAACAATTGTGGAGGCTGTTGTGGGAAATATGGACTCT[T>C]GTGGGGAATCTCTCCAGATCTTAAGATGAATCCTTGCCCAATTTGGGTCATTTAGTTCCC-3'